The following is an entry in ClinVar:

ClinVar aggregate classification (germline): Benign/Likely benign. Review status: criteria provided, multiple submitters, no conflicts (2 of 4 stars). 19 submissions from 18 submitters: Benign (13); Likely benign (1). 5 of the submissions do not count toward it. Last evaluated 2026-02-04.

Conditions:
Hereditary cancer-predisposing syndrome. Also called: Tumor predisposition; Hereditary neoplastic syndrome; Hereditary Cancer Syndrome; Neoplastic Syndromes, Hereditary. Identifiers: Orphanet 140162, MedGen C0027672, MeSH D009386, MONDO:0015356.
Hereditary breast ovarian cancer syndrome. Also called: Hereditary breast and ovarian cancer; Hereditary breast and/or ovarian cancer syndrome; BRCA1- and BRCA2-Associated Hereditary Breast and Ovarian Cancer; Hereditary breast and ovarian cancer syndrome (HBOC); Hereditary breast and ovarian cancer syndrome; Breast and ovarian cancer. Identifiers: Orphanet 145, MedGen C0677776, MeSH D061325, MONDO:0003582. Disease mechanism: loss of function.
Acute lymphoid leukemia (ALL). Also called: Leukemia, acute lymphoblastic, somatic; Lymphoblastic leukemia; Acute lymphoblastic leukemia; Acute lymphocytic leukemia. Identifiers: Orphanet 513, MedGen C0023449, MONDO:0004967, OMIM 613065, HP:0006721.
Microcephaly, normal intelligence and immunodeficiency (NBS). Also called: Nijmegen breakage syndrome; BERLIN BREAKAGE SYNDROME; Ataxia telangiectasia variant V1; SEEMANOVA SYNDROME II; IMMUNODEFICIENCY, MICROCEPHALY, AND CHROMOSOMAL INSTABILITY; Immunodeficiency, microcephaly with normal intelligence. Identifiers: Orphanet 647, MedGen C0398791, MONDO:0009623, OMIM 251260.

Allele frequency attached by ClinVar (database versions not stated): gnomAD 0.02020; 1000 Genomes Project 0.02196; 1000 Genomes Project 30x 0.02436; TOPMed 0.02523; ESP Exome Variant Server 0.02599.

Submissions (19):

Labcorp Genetics (formerly Invitae), Labcorp
Classification: Benign for Microcephaly, normal intelligence and immunodeficiency. Last evaluated: 2026-02-04. Review status: criteria provided, single submitter. Criteria: Invitae Variant Classification Sherloc (09022015). Collection method: clinical testing. Allele origin: germline.

CeGaT Center for Human Genetics Tuebingen
Classification: Benign. Last evaluated: 2025-05-01. Review status: criteria provided, single submitter. Criteria: CeGaT Center For Human Genetics Tuebingen Variant Classification Criteria Version 2. Collection method: clinical testing. Allele origin: germline. Affected: yes. Observed: 1 variant allele.
Comment: NBN: BP4, BP7, BS1, BS2

KCCC/NGS Laboratory, Kuwait Cancer Control Center
Classification: Benign for Microcephaly, normal intelligence and immunodeficiency. Last evaluated: 2025-02-01. Review status: criteria provided, single submitter. Criteria: ACMG Guidelines, 2015. Collection method: clinical testing. Allele origin: germline. Affected: no.

ARUP Laboratories, Molecular Genetics and Genomics, ARUP Laboratories
Classification: Benign. Last evaluated: 2024-12-26. Review status: criteria provided, single submitter. Criteria: ARUP Molecular Germline Variant Investigation Process 2024. Collection method: clinical testing. Allele origin: germline.

Blueprint Genetics
Classification: Likely benign. Last evaluated: 2024-11-27. Review status: criteria provided, single submitter. Criteria: ACMG Guidelines, 2015. Collection method: clinical testing. Allele origin: germline.

KCCC/NGS Laboratory, Kuwait Cancer Control Center
Classification: Benign for Acute lymphoid leukemia. Last evaluated: 2023-07-07. Review status: criteria provided, single submitter. Criteria: ACMG Guidelines, 2015. Collection method: clinical testing. Allele origin: germline. Affected: yes.

National Health Laboratory Service, Universitas Academic Hospital and University of the Free State
Classification: Benign for Hereditary breast ovarian cancer syndrome. Last evaluated: 2022-04-19. Review status: criteria provided, single submitter. Criteria: ACMG Guidelines, 2015. Collection method: clinical testing. Allele origin: germline. Affected: yes. Observed: 38 variant alleles.

Mayo Clinic Laboratories, Mayo Clinic
Classification: Benign. Last evaluated: 2021-12-30. Review status: criteria provided, single submitter. Criteria: ACMG Guidelines, 2015. Collection method: clinical testing. Allele origin: germline. Observed: 10 variant alleles.

Quest Diagnostics Nichols Institute San Juan Capistrano
Classification: Benign. Last evaluated: 2020-07-09. Review status: criteria provided, single submitter. Criteria: Quest Diagnostics criteria. Collection method: clinical testing. Allele origin: unknown.

Illumina Laboratory Services, Illumina
Classification: Benign for Microcephaly, normal intelligence and immunodeficiency. Last evaluated: 2018-01-12. Review status: criteria provided, single submitter. Criteria: ICSL Variant Classification Criteria 13 December 2019. Collection method: clinical testing. Allele origin: germline.
Comment: This variant was observed in the ICSL laboratory as part of a predisposition screen in an ostensibly healthy population. It had not been previously curated by ICSL or reported in the Human Gene Mutation Database (HGMD: prior to June 1st, 2018), and was therefore a candidate for classification through an automated scoring system. Utilizing variant allele frequency, disease prevalence and penetrance estimates, and inheritance mode, an automated score was calculated to assess if this variant is too frequent to cause the disease. Based on the score and internal cut-off values, a variant classified as benign is not then subjected to further curation. The score for this variant resulted in a classification of benign for this disease.

PreventionGenetics, part of Exact Sciences
Classification: Benign. Last evaluated: 2017-02-02. Review status: criteria provided, single submitter. Criteria: ACMG Guidelines, 2015. Collection method: clinical testing. Allele origin: germline.

GeneDx
Classification: Benign. Last evaluated: 2015-03-03. Review status: criteria provided, single submitter. Criteria: GeneDx Variant Classification Process June 2021. Collection method: clinical testing. Allele origin: germline. Affected: yes.

Ambry Genetics
Classification: Benign for Hereditary cancer-predisposing syndrome. Last evaluated: 2014-11-20. Review status: criteria provided, single submitter. Criteria: Ambry Variant Classification Scheme 2023. Collection method: clinical testing. Allele origin: germline.

Breakthrough Genomics
Classification: Benign. Review status: criteria provided, single submitter. Criteria: ACMG Guidelines, 2015. Collection method: not provided. Allele origin: germline. Inheritance: Autosomal recessive inheritance. Affected: yes.

Natera, Inc.
Classification: Benign for Nijmegen breakage syndrome. Last evaluated: 2020-09-16. Review status: no assertion criteria provided. Collection method: clinical testing. Allele origin: germline. Not counted in ClinVar's aggregate classification.

True Health Diagnostics
Classification: Likely benign for Hereditary cancer-predisposing syndrome. Last evaluated: 2017-09-11. Review status: no assertion criteria provided. Collection method: clinical testing. Allele origin: germline. Not counted in ClinVar's aggregate classification.

Clinical Genetics DNA and cytogenetics Diagnostics Lab, Erasmus MC, Erasmus Medical Center
Classification: Likely benign. Review status: no assertion criteria provided. Collection method: clinical testing. Allele origin: germline. Affected: yes. Study: VKGL Data-share Consensus. Not counted in ClinVar's aggregate classification.

Department of Pathology and Laboratory Medicine, Sinai Health System
Classification: Benign. Review status: no assertion criteria provided. Collection method: clinical testing. Allele origin: unknown. Affected: yes. Study: The Canadian Open Genetics Repository (COGR). Not counted in ClinVar's aggregate classification.
Comment: The NBN p.Pro694= variant was not identified in the literature nor was it identified in the Zhejiang Colon Cancer Database. The variant was identified in the following databases: dbSNP (ID: rs7823648) as other, ClinVar (classified as benign by Ambry genetics, Invitae; classified as likely benign by Illumina), and LOVD 3.0. The variant was identified in control databases in 2107 (77 homozygous) of 277000 chromosomes at a frequency of 0.0076 increasing the likelihood this could be a low frequency benign variant (Genome Aggregation Consortium Feb 27, 2017). The variant was identified in the following populations at a frequency greater than 1%: African in 1843 of 24028 chromosomes (freq: 0.077). The p.Pro694= variant is not expected to have clinical significance because it does not result in a change of amino acid and is not located in a known consensus splice site. In addition, in silico or computational prediction software programs (SpliceSiteFinder, MaxEntScan, NNSPLICE, GeneSplicer, HumanSpliceFinder) do not predict a difference in splicing. In summary, based on the above information this variant meets our laboratory's criteria to be classified as benign.

Genome Diagnostics Laboratory, Amsterdam University Medical Center
Classification: Benign. Review status: no assertion criteria provided. Collection method: clinical testing. Allele origin: germline. Affected: yes. Study: VKGL Data-share Consensus. Not counted in ClinVar's aggregate classification.

Literature cited by the submitters: PubMed 22864661 (cited by Quest Diagnostics Nichols Institute San Juan Capistrano).

NM_002485.5(NBN):c.2082T>G (p.Pro694=)

Gene: NBN (nibrin; minus strand). Cytogenetic location: 8q21.3.
Variant type: single nucleotide variant.
Coding change: c.2082T>G on transcript NM_002485.5 (MANE Select); coding-DNA position 2082, T replaced by G.
Protein change: p.Pro694=; no amino-acid change (proline 694 retained).
Molecular consequence: synonymous variant.
Genome position (GRCh38, 1-based): chr8:89,943,355, A>C on the plus strand (T>G on the coding strand, the complement: NBN is on the minus strand). VCF-style: chr8-89943355-A-C. GRCh37 (hg19) VCF-style: chr8-90955583-A-C.
Other names: NP_002476.2:p.Pro694=; p.Pro694=; c.1836T>G, p.Pro612= (NM_001024688.3).
Identifiers: ClinVar variation 140767 (VCV000140767.56), dbSNP rs7823648, ClinGen allele CA163518.